The following is an entry in ClinVar:

ClinVar aggregate classification (germline): Uncertain significance (1 of 4 stars; one submission).

Submission:

Women's Health and Genetics/Laboratory Corporation of America, LabCorp
Classification: Uncertain significance. Last evaluated: 2026-03-26. Review status: criteria provided, single submitter. Criteria: LabCorp Variant Classification Summary - May 2015. Collection method: clinical testing. Allele origin: germline.
Comment: Variant summary: COL4A4 c.2183G>C (p.Gly728Ala) results in a non-conservative amino acid change in the encoded protein sequence. Algorithms developed to predict the effect of missense changes on protein structure and function all suggest that this variant is likely to be disruptive. The variant was absent in 248712 control chromosomes. The available data on variant occurrences in the general population are insufficient to allow any conclusion about variant significance. To our knowledge, no occurrence of c.2183G>C in individuals affected with COL4A4-related conditions and no experimental evidence demonstrating its impact on protein function have been reported. No submitters have cited clinical-significance assessments for this variant to ClinVar. Based on the evidence outlined above, the variant was classified as uncertain significance.

NM_000092.5(COL4A4):c.2183G>C (p.Gly728Ala)

Gene: COL4A4 (collagen type IV alpha 4 chain; minus strand). Cytogenetic location: 2q36.3.
Variant type: single nucleotide variant.
Coding change: c.2183G>C on transcript NM_000092.5 (MANE Select); coding-DNA position 2183, G replaced by C.
Protein change: p.Gly728Ala; replaces glycine 728 with alanine.
Molecular consequence: missense variant.
Genome position (GRCh38, 1-based): chr2:227,059,605, C>G on the plus strand (G>C on the coding strand, the complement: COL4A4 is on the minus strand). VCF-style: chr2-227059605-C-G. GRCh37 (hg19) VCF-style: chr2-227924321-C-G.
Other names: short protein forms G728A.
Identifiers: ClinVar variation 4847672 (VCV004847672.1).